The following is an entry in ClinVar:

NM_001291303.3(FAT4):c.11482G>A (p.Val3828Ile)

Gene: FAT4 (FAT atypical cadherin 4; plus strand). Cytogenetic location: 4q28.1.
Variant type: single nucleotide variant.
Coding change: c.11482G>A on transcript NM_001291303.3 (MANE Select); coding-DNA position 11482, G replaced by A.
Protein change: p.Val3828Ile; replaces valine 3828 with isoleucine.
Molecular consequence: missense variant.
Genome position (GRCh38, 1-based): chr4:125,452,492, G>A. VCF-style: chr4-125452492-G-A. GRCh37 (hg19) VCF-style: chr4-126373647-G-A.
Other names: c.11482G>A, p.Val3828Ile (NM_001291285.3); c.11476G>A, p.Val3826Ile (NM_024582.6); short protein forms V3826I, V3828I.
Identifiers: ClinVar variation 1499902 (VCV001499902.3), dbSNP rs773534151, ClinGen allele CA3073859.

ClinVar aggregate classification (germline): Uncertain significance. Review status: criteria provided, multiple submitters, no conflicts (2 of 4 stars). 2 submissions from 2 submitters: Uncertain significance (2). Last evaluated 2023-10-19.

Allele frequency attached by ClinVar (database versions not stated): gnomAD 0.00001 and 0.00003; TOPMed 0.00002; ExAC 0.00005; gnomAD exomes 0.00007.
gnomAD v4.1: 46 of 1,613,766 alleles (0.0029%); highest among the groups gnomAD compares: South Asian, 0.038%; 1 homozygote.

Submissions (2):

Women's Health and Genetics/Laboratory Corporation of America, LabCorp
Classification: Uncertain significance. Last evaluated: 2023-10-19. Review status: criteria provided, single submitter. Criteria: LabCorp Variant Classification Summary - May 2015. Collection method: clinical testing. Allele origin: germline.
Comment: Variant summary: FAT4 c.11476G>A (p.Val3826Ile) results in a conservative amino acid change in the encoded protein sequence. Five of five in-silico tools predict a benign effect of the variant on protein function. The variant allele was found at a frequency of 6.8e-05 in 250806 control chromosomes (gnomAD). To our knowledge, no occurrence of c.11476G>A in individuals affected with FAT4-Related Disorders and no experimental evidence demonstrating its impact on protein function have been reported. One submitter has cited a clinical-significance assessment for this variant to ClinVar after 2014 and has classified the variant as uncertain significance. Based on the evidence outlined above, the variant was classified as uncertain significance.

Labcorp Genetics (formerly Invitae), Labcorp
Classification: Uncertain significance. Last evaluated: 2021-08-15. Review status: criteria provided, single submitter. Criteria: Invitae Variant Classification Sherloc (09022015). Collection method: clinical testing. Allele origin: germline.
Comment: This sequence change replaces valine with isoleucine at codon 3826 of the FAT4 protein (p.Val3826Ile). The valine residue is weakly conserved and there is a small physicochemical difference between valine and isoleucine. This variant is present in population databases (rs773534151, ExAC 0.03%). This variant has not been reported in the literature in individuals affected with FAT4-related conditions. Advanced modeling of protein sequence and biophysical properties (such as structural, functional, and spatial information, amino acid conservation, physicochemical variation, residue mobility, and thermodynamic stability) performed at Invitae indicates that this missense variant is not expected to disrupt FAT4 protein function. In summary, the available evidence is currently insufficient to determine the role of this variant in disease. Therefore, it has been classified as a Variant of Uncertain Significance.